The following is an entry in ClinVar:

NM_017757.3(ZNF407):c.2204T>C (p.Leu735Pro)

Gene: ZNF407 (zinc finger protein 407; plus strand). Cytogenetic location: 18q22.3.
Variant type: single nucleotide variant.
Coding change: c.2204T>C on transcript NM_017757.3 (MANE Select); coding-DNA position 2204, T replaced by C.
Protein change: p.Leu735Pro; replaces leucine 735 with proline.
Molecular consequence: missense variant.
Genome position (GRCh38, 1-based): chr18:74,633,223, T>C. VCF-style: chr18-74633223-T-C. GRCh37 (hg19) VCF-style: chr18-72345179-T-C.
Other names: c.2204T>C, p.Leu735Pro (NM_001146189.1, NM_001146190.1, NM_001384475.1); short protein forms L735P.
Identifiers: ClinVar variation 2692432 (VCV002692432.2), dbSNP rs377540468, ClinGen allele CA302811952.

ClinVar aggregate classification (germline): Uncertain significance. Review status: criteria provided, multiple submitters, no conflicts (2 of 4 stars). 2 submissions from 2 submitters: Uncertain significance (2). Last evaluated 2025-06-23.

Allele frequency attached by ClinVar (database versions not stated): gnomAD exomes below 0.00001; gnomAD 0.00001; TOPMed 0.00003; ESP Exome Variant Server 0.00008.
gnomAD v4.1: 6 of 1,613,816 alleles (0.00037%); highest among the groups gnomAD compares: African/African-American, 0.008%; no homozygotes.

Submissions (2):

Ambry Genetics
Classification: Uncertain significance. Last evaluated: 2025-06-23. Review status: criteria provided, single submitter. Criteria: Ambry Variant Classification Scheme 2023. Collection method: clinical testing. Allele origin: germline.

Greenwood Genetic Center Diagnostic Laboratories, Greenwood Genetic Center
Classification: Uncertain significance. Last evaluated: 2023-11-02. Review status: criteria provided, single submitter. Criteria: ACMG Guidelines, 2015. Collection method: clinical testing. Allele origin: germline. Affected: yes.
Comment: PM2